The following is an entry in ClinVar:

ClinVar aggregate classification (germline): Conflicting classifications of pathogenicity. Review status: criteria provided, conflicting classifications (1 of 4 stars). 10 submissions from 8 submitters: Uncertain significance (1); Benign (1); Likely benign (5). 3 of the submissions do not count toward it. Last evaluated 2026-01-13.

Conditions:
Leber congenital amaurosis 7 (LCA7). Identifiers: Orphanet 65, MedGen C3151192, MONDO:0013449, OMIM 613829.
Cone-rod dystrophy 2 (CORD2). Also called: CONE-ROD RETINAL DYSTROPHY; Cone-rod retinal dystrophy 2. Identifiers: Orphanet 1872, MedGen C3489532, MONDO:0007362, OMIM 120970.
Retinitis pigmentosa (RP). Identifiers: Orphanet 791, MedGen C0035334, MeSH D012174, MONDO:0019200, OMIM 268000. Inheritance: Autosomal dominant, autosomal recessive and X linked inheritance.

Allele frequency attached by ClinVar (database versions not stated): gnomAD exomes 0.00189 and 0.00252; TOPMed 0.00190; 1000 Genomes Project 0.00140; 1000 Genomes Project 30x 0.00172; gnomAD 0.00187; ExAC 0.00188; ESP Exome Variant Server 0.00254.
gnomAD v4.1: 3,969 of 1,611,148 alleles (0.25%); highest among the groups gnomAD compares: Non-Finnish European, 0.28%; 5 homozygotes.

Submissions (10):

Labcorp Genetics (formerly Invitae), Labcorp
Classification: Benign for Cone-rod dystrophy 2; Leber congenital amaurosis 7. Last evaluated: 2026-01-13. Review status: criteria provided, single submitter. Criteria: Invitae Variant Classification Sherloc (09022015). Collection method: clinical testing. Allele origin: germline.

Blueprint Genetics
Classification: Likely benign. Last evaluated: 2024-11-26. Review status: criteria provided, single submitter. Criteria: ACMG Guidelines, 2015. Collection method: clinical testing. Allele origin: germline.

GeneDx
Classification: Likely benign. Last evaluated: 2020-04-24. Review status: criteria provided, single submitter. Criteria: GeneDx Variant Classification Process June 2021. Collection method: clinical testing. Allele origin: germline. Affected: yes.
Comment: See Variant Classification Assertion Criteria.

CeGaT Center for Human Genetics Tuebingen
Classification: Uncertain significance. Last evaluated: 2018-05-01. Review status: criteria provided, single submitter. Criteria: CeGaT Center For Human Genetics Tuebingen Variant Classification Criteria Version 2. Collection method: clinical testing. Allele origin: germline. Affected: yes. Observed: 2 variant alleles.

Illumina Laboratory Services, Illumina
Classification: Likely benign for Cone-rod dystrophy 2. Last evaluated: 2017-04-28. Review status: criteria provided, single submitter. Criteria: ICSL Variant Classification Criteria 13 December 2019. Collection method: clinical testing. Allele origin: germline.
Comment: This variant was observed as part of a predisposition screen in an ostensibly healthy population. A literature search was performed for the gene, cDNA change, and amino acid change (where applicable). Publications were found based on this search. The evidence from the literature, in combination with allele frequency data from public databases where available, was sufficient to determine this variant is unlikely to cause disease. Therefore, this variant is classified as likely benign.

Illumina Laboratory Services, Illumina
Classification: Likely benign for Retinitis pigmentosa. Last evaluated: 2017-04-28. Review status: criteria provided, single submitter. Criteria: ICSL Variant Classification Criteria 13 December 2019. Collection method: clinical testing. Allele origin: germline.
Comment: the same text as in the submission from Illumina Laboratory Services, Illumina above.

Illumina Laboratory Services, Illumina
Classification: Likely benign for Leber congenital amaurosis 7. Last evaluated: 2017-04-28. Review status: criteria provided, single submitter. Criteria: ICSL Variant Classification Criteria 13 December 2019. Collection method: clinical testing. Allele origin: germline.
Comment: the same text as in the submission from Illumina Laboratory Services, Illumina above.

Clinical Genetics, Academic Medical Center
Classification: Likely benign. Review status: no assertion criteria provided. Collection method: clinical testing. Allele origin: germline. Affected: yes. Study: VKGL Data-share Consensus. Not counted in ClinVar's aggregate classification.

Joint Genome Diagnostic Labs from Nijmegen and Maastricht, Radboudumc and MUMC+
Classification: Likely benign. Review status: no assertion criteria provided. Collection method: clinical testing. Allele origin: germline. Affected: yes. Study: VKGL Data-share Consensus. Not counted in ClinVar's aggregate classification.

Retina International
No classification provided. Review status: no classification provided. Collection method: not provided. Allele origin: not provided. Not counted in ClinVar's aggregate classification.

Literature cited by the submitters: PubMed 9792858 (cited by Illumina Laboratory Services, Illumina).

NM_000554.6(CRX):c.253-15G>A

Gene: CRX (cone-rod homeobox; plus strand). Cytogenetic location: 19q13.33.
Variant type: single nucleotide variant.
Coding change: c.253-15G>A on transcript NM_000554.6 (MANE Select); 15 bases into the intron before coding-DNA position 253, G replaced by A.
Molecular consequence: intron variant.
Genome position (GRCh38, 1-based): chr19:47,839,305, G>A. VCF-style: chr19-47839305-G-A. GRCh37 (hg19) VCF-style: chr19-48342562-G-A.
Identifiers: ClinVar variation 99600 (VCV000099600.59), dbSNP rs145805694, ClinGen allele CA227619.
Genomic context (GRCh38, chr19:47,839,305, plus strand): 5'-CATCCCCGGGCACCCTGCGGCTCTCCTGGGCCTCTTCCCCACTTACCCACCCCCATCTCC[G>A]CTCTTATCCCCCAGGTTTGGTTCAAGAACCGGAGGGCTAAATGCAGGCAGCAGCGACAGC-3'